The following is an entry in ClinVar:

NM_015378.4(VPS13D):c.9627T>C (p.Pro3209=)

Gene: VPS13D (vacuolar protein sorting 13 homolog D; plus strand). Cytogenetic location: 1p36.22.
Variant type: single nucleotide variant.
Coding change: c.9627T>C on transcript NM_015378.4 (MANE Select); coding-DNA position 9627, T replaced by C.
Protein change: p.Pro3209=; no amino-acid change (proline 3209 retained).
Molecular consequence: synonymous variant.
Genome position (GRCh38, 1-based): chr1:12,354,169, T>C. VCF-style: chr1-12354169-T-C. GRCh37 (hg19) VCF-style: chr1-12414226-T-C.
Other names: p.Pro3209=; c.9552T>C, p.Pro3184= (NM_018156.4).
Identifiers: ClinVar variation 4684651 (VCV004684651.1).
Genomic context (GRCh38, chr1:12,354,169, plus strand): 5'-GCTACCCTGTGAACTTGATTTTTATGTTAAAGGAATGCCAATTAATGGGACGCTGAAACC[T>C]GGCAAGGAGGCAGCTCTCCATACAGCTGATACATCCCAGAACATTGAGCTGGGTAAGAAT-3'
Protein context (NP_056193.2, residues 3199-3219): KGMPINGTLK[Pro3209=]GKEAALHTAD

ClinVar aggregate classification (germline): Likely benign (1 of 4 stars; one submission).

gnomAD v4.1: 12 of 1,614,072 alleles (0.00074%); highest among the groups gnomAD compares: Non-Finnish European, 0.001%; no homozygotes.

Submission:

Mayo Clinic Laboratories, Mayo Clinic
Classification: Likely benign. Last evaluated: 2025-02-10. Review status: criteria provided, single submitter. Criteria: ACMG Guidelines, 2015. Collection method: clinical testing. Allele origin: germline. Observed: 1 variant allele.
Comment: BP4, BP7